The following is an entry in ClinVar:

ClinVar aggregate classification (germline): Pathogenic (1 of 4 stars; one submission).

Conditions:
Junctional epidermolysis bullosa. Identifiers: Orphanet 305, MedGen C0079301, MONDO:0017612.

Submission:

Myriad Genetics, Inc.
Classification: Pathogenic for Junctional epidermolysis bullosa. Last evaluated: 2023-09-27. Review status: criteria provided, single submitter. Criteria: Myriad Autosomal Dominant, Autosomal Recessive and X-Linked Classification Criteria (2023). Collection method: clinical testing. Allele origin: unknown.
Comment: NM_000228.2(LAMB3):c.2746dupG(V916Gfs*19) is expected to be pathogenic in the context of junctional epidermolysis bullosa, LAMB3-related. This variant is predicted to lead to an abnormal or absent protein product due to the creation of a premature termination codon in LAMB3, a gene where loss-of-function variants are known to be pathogenic. Please note: this variant was assessed in the context of healthy population screening.

NM_000228.3(LAMB3):c.2746dup (p.Val916fs)

Gene: LAMB3 (laminin subunit beta 3; minus strand). Cytogenetic location: 1q32.2.
Variant type: Duplication.
Coding change: c.2746dup on transcript NM_000228.3 (MANE Select); coding-DNA position 2746, one base duplicated (G; older notation c.2746dupG).
Protein change: p.Val916fs; shifts the reading frame from valine 916.
Molecular consequence: frameshift variant.
Genome position (GRCh38, 1-based): chr1:209,618,615, C duplicated on the plus strand (G on the coding strand, the reverse complement: LAMB3 is on the minus strand). VCF-style (leftmost placement, unchanged base first): chr1-209618614-A-AC. GRCh37 (hg19) VCF-style: chr1-209791959-A-AC.
Other names: c.2746dup, p.Val916fs (NM_001017402.2, NM_001127641.1); short protein forms V916fs.
Identifiers: ClinVar variation 5011876 (VCV005011876.1).